The following is an entry in ClinVar:

NM_003922.4(HERC1):c.1220C>T (p.Thr407Ile)

Gene: HERC1 (HECT and RLD domain containing E3 ubiquitin protein ligase family member 1; minus strand). Cytogenetic location: 15q22.31.
Variant type: single nucleotide variant.
Coding change: c.1220C>T on transcript NM_003922.4 (MANE Select); coding-DNA position 1220, C replaced by T.
Protein change: p.Thr407Ile; replaces threonine 407 with isoleucine.
Molecular consequence: missense variant.
Genome position (GRCh38, 1-based): chr15:63,758,176, G>A on the plus strand (C>T on the coding strand, the complement: HERC1 is on the minus strand). VCF-style: chr15-63758176-G-A. GRCh37 (hg19) VCF-style: chr15-64050375-G-A.
Other names: short protein forms T407I.
Identifiers: ClinVar variation 2218820 (VCV002218820.2), dbSNP rs903117771, ClinGen allele CA272107604.
Genomic context (GRCh38, chr15:63,758,176, plus strand): 5'-AATAAGCATGAATATACACCAGATTATCTACCAGTTTGTAAGCTATTTAGAAAACTTACG[G>A]TCTGTGCATCAGAGAAACTAGGAGCCAGTTTGGGTTGCAGTATTTTCTCCTGTGTACCTT-3'
Protein context (NP_003913.3, residues 397-417): KLAPSFSDAQ[Thr407Ile]IEAGQYCTFV

ClinVar aggregate classification (germline): Uncertain significance (1 of 4 stars; one submission).

Conditions:
Inborn genetic diseases. Identifiers: MedGen C0950123, MeSH D030342.

Allele frequency attached by ClinVar (database versions not stated): gnomAD exomes 0.00001; TOPMed 0.00002; gnomAD 0.00003.
gnomAD v4.1: 23 of 1,593,238 alleles (0.0014%); highest among the groups gnomAD compares: African/African-American, 0.0027%; no homozygotes.

Submission:

Ambry Genetics
Classification: Uncertain significance for Inborn genetic diseases. Last evaluated: 2021-03-26. Review status: criteria provided, single submitter. Criteria: Ambry Variant Classification Scheme 2023. Collection method: clinical testing. Allele origin: germline.
Comment: The c.1220C>T (p.T407I) alteration is located in exon 4 (coding exon 3) of the HERC1 gene. This alteration results from a C to T substitution at nucleotide position 1220, causing the threonine (T) at amino acid position 407 to be replaced by an isoleucine (I). The in silico prediction for the p.T407I alteration is inconclusive. Based on insufficient or conflicting evidence, the clinical significance of this alteration remains unclear.